The following is an entry in ClinVar:

ClinVar aggregate classification (germline): Uncertain significance (1 of 4 stars; one submission).

Conditions:
Inborn genetic diseases. Identifiers: MedGen C0950123, MeSH D030342.

gnomAD v4.1: 2 of 1,612,284 alleles (0.00012%); highest among the groups gnomAD compares: South Asian, 0.0022%; no homozygotes.

Submission:

Ambry Genetics
Classification: Uncertain significance for Inborn genetic diseases. Last evaluated: 2025-08-12. Review status: criteria provided, single submitter. Criteria: Ambry Variant Classification Scheme 2023. Collection method: clinical testing. Allele origin: germline.
Comment: The p.V166I variant (also known as c.496G>A), located in coding exon 4 of the BMPR2 gene, results from a G to A substitution at nucleotide position 496. The valine at codon 166 is replaced by isoleucine, an amino acid with highly similar properties. This amino acid position is conserved. In addition, the in silico prediction for this alteration is inconclusive. Based on the available evidence, the clinical significance of this variant remains unclear.

NM_001204.7(BMPR2):c.496G>A (p.Val166Ile)

Gene: BMPR2 (bone morphogenetic protein receptor type 2; plus strand). Cytogenetic location: 2q33.2.
Variant type: single nucleotide variant.
Coding change: c.496G>A on transcript NM_001204.7 (MANE Select); coding-DNA position 496, G replaced by A.
Protein change: p.Val166Ile; replaces valine 166 with isoleucine.
Molecular consequence: missense variant.
Genome position (GRCh38, 1-based): chr2:202,513,796, G>A. VCF-style: chr2-202513796-G-A. GRCh37 (hg19) VCF-style: chr2-203378519-G-A.
Other names: short protein forms V166I.
Identifiers: ClinVar variation 4214497 (VCV004214497.1).